The following is an entry in ClinVar:

ClinVar aggregate classification (germline): Conflicting classifications of pathogenicity. Review status: criteria provided, conflicting classifications (1 of 4 stars). 2 submissions from 2 submitters: Pathogenic (1); Uncertain significance (1). Last evaluated 2023-07-08.

Conditions:
Sulfite oxidase deficiency. Also called: Isolated sulfite oxidase deficiency. Identifiers: Orphanet 833, Orphanet 99731, MedGen C0268624, MONDO:0010089, OMIM 272300, HP:0003643.

Submissions (2):

Labcorp Genetics (formerly Invitae), Labcorp
Classification: Pathogenic for Sulfite oxidase deficiency. Last evaluated: 2023-07-08. Review status: criteria provided, single submitter. Criteria: Invitae Variant Classification Sherloc (09022015). Collection method: clinical testing. Allele origin: germline.
Comment: This sequence change affects a splice site in intron 5 of the SUOX gene. While this variant is not anticipated to result in nonsense mediated decay, it likely alters RNA splicing and results in a disrupted protein product. For these reasons, this variant has been classified as Pathogenic. This variant disrupts a region of the SUOX protein in which other variant(s) (p.Arg529*) have been determined to be pathogenic (PMID: 17940249, 28980090). This suggests that this is a clinically significant region of the protein, and that variants that disrupt it are likely to be disease-causing. Variants that disrupt the consensus splice site are a relatively common cause of aberrant splicing (PMID: 17576681, 9536098). Algorithms developed to predict the effect of sequence changes on RNA splicing suggest that this variant may disrupt the consensus splice site. This variant has not been reported in the literature in individuals affected with SUOX-related conditions. This variant is not present in population databases (gnomAD no frequency).

Neuberg Centre For Genomic Medicine, NCGM
Classification: Uncertain significance for Sulfite oxidase deficiency. Last evaluated: 2023-06-02. Review status: criteria provided, single submitter. Criteria: ACMG Guidelines, 2015. Collection method: clinical testing. Allele origin: germline. Inheritance: Autosomal recessive inheritance. Affected: yes.
Comment: The observed splice region variant c.228+2_228+10del in the SUOX gene has not been reported previously as a pathogenic variant nor as a benign variant, to our knowledge. This variant is absent in the gnomAD Exomes. This variant affects the splice site and the subsequent ten nucleotides extending from exon 4 to intron 4. Since this variant is present in the penultimate exon functional evidence is required to prove the pathogenicity. For these reasons, this variant has been classified as Uncertain Significance (VUS).

Literature cited by the submitters: PubMed 17940249 (cited by Labcorp Genetics (formerly Invitae), Labcorp); PubMed 28980090 (cited by Labcorp Genetics (formerly Invitae), Labcorp); PubMed 17576681 (cited by Labcorp Genetics (formerly Invitae), Labcorp); PubMed 9536098 (cited by Labcorp Genetics (formerly Invitae), Labcorp).

NM_001032386.2(SUOX):c.228+2_228+10del

Gene: SUOX (sulfite oxidase; plus strand). Cytogenetic location: 12q13.2.
Variant type: Deletion.
Coding change: c.228+2_228+10del on transcript NM_001032386.2 (MANE Select); the canonical splice donor site of the intron after coding-DNA position 228 through 10 bases into the intron after coding-DNA position 228, 9 bases deleted (TAAGTAGGG; older notation c.228+2_228+10delTAAGTAGGG).
Molecular consequence: splice donor variant.
Genome position (GRCh38, 1-based): chr12:56,002,722-56,002,730, TAAGTAGGG deleted; deleting any 9 consecutive bases within chr12:56,002,716-56,002,730 gives the same sequence; the c. name uses the placement nearest the transcript's 3' end. VCF-style (leftmost placement, unchanged base first): chr12-56002715-TGTAGGGTAA-T. GRCh37 (hg19) VCF-style: chr12-56396499-TGTAGGGTAA-T.
Other names: c.228+2_228+10del (NM_000456.3, NM_001032387.2).
Identifiers: ClinVar variation 2738325 (VCV002738325.6), dbSNP rs2540574448, ClinGen allele CA2697559380.